The following is an entry in ClinVar:

NM_003638.3(ITGA8):c.1364G>A (p.Arg455Lys)

Gene: ITGA8 (integrin subunit alpha 8; minus strand). Cytogenetic location: 10p13.
Variant type: single nucleotide variant.
Coding change: c.1364G>A on transcript NM_003638.3 (MANE Select); coding-DNA position 1364, G replaced by A.
Protein change: p.Arg455Lys; replaces arginine 455 with lysine.
Molecular consequence: missense variant.
Genome position (GRCh38, 1-based): chr10:15,644,065, C>T on the plus strand (G>A on the coding strand, the complement: ITGA8 is on the minus strand). VCF-style: chr10-15644065-C-T. GRCh37 (hg19) VCF-style: chr10-15686064-C-T.
Other names: c.1319G>A, p.Arg440Lys (NM_001291494.2); short protein forms R455K, R440K.
Identifiers: ClinVar variation 1967177 (VCV001967177.5), dbSNP rs758437809, ClinGen allele CA5420279.

ClinVar aggregate classification (germline): Uncertain significance (1 of 4 stars; one submission).

Allele frequency attached by ClinVar (database versions not stated): TOPMed below 0.00001; ExAC 0.00001; gnomAD 0.00001; gnomAD exomes 0.00005.
gnomAD v4.1: 75 of 1,613,900 alleles (0.0046%); highest among the groups gnomAD compares: Non-Finnish European, 0.0061%; no homozygotes.

Submission:

Labcorp Genetics (formerly Invitae), Labcorp
Classification: Uncertain significance. Last evaluated: 2022-04-06. Review status: criteria provided, single submitter. Criteria: Invitae Variant Classification Sherloc (09022015). Collection method: clinical testing. Allele origin: germline.
Comment: This variant has not been reported in the literature in individuals affected with ITGA8-related conditions. This sequence change replaces arginine, which is basic and polar, with lysine, which is basic and polar, at codon 455 of the ITGA8 protein (p.Arg455Lys). This variant is present in population databases (rs758437809, gnomAD 0.004%). Algorithms developed to predict the effect of missense changes on protein structure and function are either unavailable or do not agree on the potential impact of this missense change (SIFT: "Deleterious"; PolyPhen-2: "Benign"; Align-GVGD: "Class C25"). In summary, the available evidence is currently insufficient to determine the role of this variant in disease. Therefore, it has been classified as a Variant of Uncertain Significance.